The following is an entry in ClinVar:

ClinVar aggregate classification (germline): Pathogenic. Review status: criteria provided, single submitter (1 of 4 stars). 2 submissions from 2 submitters: Pathogenic (1). 1 of the submissions does not count toward it. Last evaluated 2023-05-02.

Conditions:
Poikiloderma with neutropenia (PN). Identifiers: Orphanet 221046, MedGen C1858723, MONDO:0011405, OMIM 604173.

Submissions (2):

Labcorp Genetics (formerly Invitae), Labcorp
Classification: Pathogenic. Last evaluated: 2023-05-02. Review status: criteria provided, single submitter. Criteria: Invitae Variant Classification Sherloc (09022015). Collection method: clinical testing. Allele origin: germline.
Comment: For these reasons, this variant has been classified as Pathogenic. ClinVar contains an entry for this variant (Variation ID: 496750). This premature translational stop signal has been observed in individual(s) with Rothmund–Thomson syndrome (PMID: 20817924). This variant is not present in population databases (gnomAD no frequency). This sequence change creates a premature translational stop signal (p.Gly59Alafs*2) in the USB1 gene. It is expected to result in an absent or disrupted protein product. Loss-of-function variants in USB1 are known to be pathogenic (PMID: 20817924, 25044170).

GeneReviews
No classification provided. Condition: Poikiloderma with neutropenia. Review status: no classification provided. Collection method: literature only. Allele origin: germline. Not counted in ClinVar's aggregate classification.

Literature cited by the submitters: PubMed 20817924 (cited by Labcorp Genetics (formerly Invitae), Labcorp); PubMed 25044170 (cited by Labcorp Genetics (formerly Invitae), Labcorp); NCBI Bookshelf NBK459118 (cited by GeneReviews); PubMed 29072891 (cited by GeneReviews).

NM_024598.4(USB1):c.176_177del (p.Gly59fs)

Gene: USB1 (U6 snRNA biogenesis phosphodiesterase 1; plus strand). Cytogenetic location: 16q21.
Variant type: Deletion.
Coding change: c.176_177del on transcript NM_024598.4 (MANE Select); coding-DNA positions 176 to 177, 2 bases deleted (GG; older notation c.176_177delGG).
Protein change: p.Gly59fs; shifts the reading frame from glycine 59.
Molecular consequence: frameshift variant.
Genome position (GRCh38, 1-based): chr16:58,002,556-58,002,557, GG deleted; deleting any 2 consecutive bases within chr16:58,002,554-58,002,557 gives the same sequence; the c. name uses the placement nearest the transcript's 3' end. VCF-style (leftmost placement, unchanged base first): chr16-58002553-AGG-A. GRCh37 (hg19) VCF-style: chr16-58036457-AGG-A.
Other names: c.176_177del, p.Gly59fs (NM_001195302.2, NM_001204911.2, NM_001330569.2); c.23_24del, p.Gly8fs (NM_001330568.2); c.176_177delGG (NM_024598.3); short protein forms G59fs, G8fs.
Identifiers: ClinVar variation 496750 (VCV000496750.7), dbSNP rs759761915, ClinGen allele CA8084824.